The following is an entry in ClinVar:

ClinVar aggregate classification (germline): Uncertain significance. Review status: criteria provided, multiple submitters, no conflicts (2 of 4 stars). 2 submissions from 2 submitters: Uncertain significance (2). Last evaluated 2025-10-09.

Conditions:
Familial thoracic aortic aneurysm and aortic dissection (TAAD). Also called: Thoracic aortic aneurysms and dissections. Identifiers: Orphanet 91387, MedGen C4707243, MONDO:0019625.
Loeys-Dietz syndrome 4 (LDS4). Also called: ANEURYSM, AORTIC AND CEREBRAL, WITH ARTERIAL TORTUOSITY AND SKELETAL MANIFESTATIONS; TGFB2-Related Loeys-Dietz Syndrome. Identifiers: MedGen C3553762, MONDO:0013897, OMIM 614816.

Submissions (2):

Labcorp Genetics (formerly Invitae), Labcorp
Classification: Uncertain significance for Loeys-Dietz syndrome 4. Last evaluated: 2025-10-09. Review status: criteria provided, single submitter. Criteria: Invitae Variant Classification Sherloc (09022015). Collection method: clinical testing. Allele origin: germline.
Comment: This sequence change replaces leucine, which is neutral and non-polar, with phenylalanine, which is neutral and non-polar, at codon 199 of the TGFB2 protein (p.Leu199Phe). This variant is not present in population databases (gnomAD no frequency). This variant has not been reported in the literature in individuals affected with TGFB2-related conditions. ClinVar contains an entry for this variant (Variation ID: 1750720). Invitae Evidence Modeling of protein sequence and biophysical properties (such as structural, functional, and spatial information, amino acid conservation, physicochemical variation, residue mobility, and thermodynamic stability) indicates that this missense variant is not expected to disrupt TGFB2 protein function with a negative predictive value of 80%. In summary, the available evidence is currently insufficient to determine the role of this variant in disease. Therefore, it has been classified as a Variant of Uncertain Significance.

Ambry Genetics
Classification: Uncertain significance for Familial thoracic aortic aneurysm and aortic dissection. Last evaluated: 2021-02-16. Review status: criteria provided, single submitter. Criteria: Ambry Variant Classification Scheme 2023. Collection method: clinical testing. Allele origin: germline.
Comment: The p.L199F variant (also known as c.595C>T), located in coding exon 3 of the TGFB2 gene, results from a C to T substitution at nucleotide position 595. The leucine at codon 199 is replaced by phenylalanine, an amino acid with highly similar properties. This amino acid position is highly conserved in available vertebrate species. In addition, the in silico prediction for this alteration is inconclusive. Since supporting evidence is limited at this time, the clinical significance of this alteration remains unclear.

NM_003238.6(TGFB2):c.595C>T (p.Leu199Phe)

Gene: TGFB2 (transforming growth factor beta 2; plus strand). Cytogenetic location: 1q41.
Variant type: single nucleotide variant.
Coding change: c.595C>T on transcript NM_003238.6 (MANE Select); coding-DNA position 595, C replaced by T.
Protein change: p.Leu199Phe; replaces leucine 199 with phenylalanine.
Molecular consequence: missense variant. On other transcripts: non-coding transcript variant (2).
Genome position (GRCh38, 1-based): chr1:218,434,166, C>T. VCF-style: chr1-218434166-C-T. GRCh37 (hg19) VCF-style: chr1-218607508-C-T.
Other names: c.679C>T, p.Leu227Phe (NM_001135599.4); short protein forms L227F, L199F.
Identifiers: ClinVar variation 1750720 (VCV001750720.3), dbSNP rs1659895970, ClinGen allele CA344726601.